The following is an entry in ClinVar:

ClinVar aggregate classification (germline): Uncertain significance (1 of 4 stars; one submission).

Conditions:
Ataxia-telangiectasia syndrome (AT). Also called: Ataxia-telangiectasia, complementation group D; LOUIS-BAR SYNDROME; AT, COMPLEMENTATION GROUP C; ATAXIA-TELANGIECTASIA, COMPLEMENTATION GROUP A; ATAXIA-TELANGIECTASIA, FRESNO VARIANT; Ataxia-telangiectasia. Identifiers: Orphanet 100, MedGen C0004135, MONDO:0008840, OMIM 208900.

Submission:

Labcorp Genetics (formerly Invitae), Labcorp
Classification: Uncertain significance for Ataxia-telangiectasia syndrome. Last evaluated: 2025-11-21. Review status: criteria provided, single submitter. Criteria: Invitae Variant Classification Sherloc (09022015). Collection method: clinical testing. Allele origin: germline.
Comment: This sequence change replaces lysine, which is basic and polar, with glutamic acid, which is acidic and polar, at codon 1398 of the ATM protein (p.Lys1398Glu). This variant is not present in population databases (gnomAD no frequency). This missense change has been observed in individual(s) with breast cancer (PMID: 30287823). ClinVar contains an entry for this variant (Variation ID: 2910287). Invitae Evidence Modeling of protein sequence and biophysical properties (such as structural, functional, and spatial information, amino acid conservation, physicochemical variation, residue mobility, and thermodynamic stability) indicates that this missense variant is not expected to disrupt ATM protein function with a negative predictive value of 95%. In summary, the available evidence is currently insufficient to determine the role of this variant in disease. Therefore, it has been classified as a Variant of Uncertain Significance.

Literature cited by the submitters: PubMed 30287823.

NM_000051.4(ATM):c.4192A>G (p.Lys1398Glu)

Gene: ATM (ATM serine/threonine kinase; plus strand). Cytogenetic location: 11q22.3.
Variant type: single nucleotide variant.
Coding change: c.4192A>G on transcript NM_000051.4 (MANE Select); coding-DNA position 4192, A replaced by G.
Protein change: p.Lys1398Glu; replaces lysine 1398 with glutamic acid.
Molecular consequence: missense variant.
Genome position (GRCh38, 1-based): chr11:108,289,059, A>G. VCF-style: chr11-108289059-A-G. GRCh37 (hg19) VCF-style: chr11-108159786-A-G.
Other names: c.4192A>G, p.Lys1398Glu (NM_001351834.2); short protein forms K1398E.
Identifiers: ClinVar variation 2910287 (VCV002910287.3), dbSNP rs2546904639, ClinGen allele CA382530301.